The following is an entry in ClinVar:

NM_000059.4(BRCA2):c.7417T>A (p.Cys2473Ser)

Gene: BRCA2 (BRCA2 DNA repair associated; plus strand). Cytogenetic location: 13q13.1.
Variant type: single nucleotide variant.
Coding change: c.7417T>A on transcript NM_000059.4 (MANE Select); coding-DNA position 7417, T replaced by A.
Protein change: p.Cys2473Ser; replaces cysteine 2473 with serine.
Molecular consequence: missense variant.
Genome position (GRCh38, 1-based): chr13:32,355,270, T>A. VCF-style: chr13-32355270-T-A. GRCh37 (hg19) VCF-style: chr13-32929407-T-A.
Other names: short protein forms C2473S.
Identifiers: ClinVar variation 938255 (VCV000938255.10), dbSNP rs786202720, ClinGen allele CA387741950.

ClinVar aggregate classification (germline): Uncertain significance. Review status: criteria provided, multiple submitters, no conflicts (2 of 4 stars). 2 submissions from 2 submitters: Uncertain significance (2). Last evaluated 2021-06-28.

Conditions:
Hereditary breast ovarian cancer syndrome. Also called: BRCA1- and BRCA2-Associated Hereditary Breast and Ovarian Cancer; Hereditary breast and/or ovarian cancer syndrome; Hereditary breast and ovarian cancer syndrome; Hereditary breast and ovarian cancer; Breast and ovarian cancer; Hereditary breast and ovarian cancer syndrome (HBOC). Identifiers: Orphanet 145, MedGen C0677776, MeSH D061325, MONDO:0003582. Disease mechanism: loss of function.
Hereditary cancer-predisposing syndrome. Also called: Tumor predisposition; Hereditary neoplastic syndrome; Hereditary Cancer Syndrome; Neoplastic Syndromes, Hereditary. Identifiers: Orphanet 140162, MedGen C0027672, MeSH D009386, MONDO:0015356.

Submissions (2):

Ambry Genetics
Classification: Uncertain significance for Hereditary cancer-predisposing syndrome. Last evaluated: 2021-06-28. Review status: criteria provided, single submitter. Criteria: Ambry Variant Classification Scheme 2023. Collection method: clinical testing. Allele origin: germline.
Comment: The p.C2473S variant (also known as c.7417T>A), located in coding exon 13 of the BRCA2 gene, results from a T to A substitution at nucleotide position 7417. The cysteine at codon 2473 is replaced by serine, an amino acid with dissimilar properties. This amino acid position is not well conserved in available vertebrate species. In addition, this alteration is predicted to be tolerated by in silico analysis. Since supporting evidence is limited at this time, the clinical significance of this alteration remains unclear.

Labcorp Genetics (formerly Invitae), Labcorp
Classification: Uncertain significance for Hereditary breast ovarian cancer syndrome. Last evaluated: 2019-08-05. Review status: criteria provided, single submitter. Criteria: Invitae Variant Classification Sherloc (09022015). Collection method: clinical testing. Allele origin: germline.
Comment: In summary, the available evidence is currently insufficient to determine the role of this variant in disease. Therefore, it has been classified as a Variant of Uncertain Significance. Algorithms developed to predict the effect of missense changes on protein structure and function (SIFT, PolyPhen-2, Align-GVGD) all suggest that this variant is likely to be tolerated, but these predictions have not been confirmed by published functional studies and their clinical significance is uncertain. This variant has not been reported in the literature in individuals with BRCA2-related conditions. This variant is not present in population databases (ExAC no frequency). This sequence change replaces cysteine with serine at codon 2473 of the BRCA2 protein (p.Cys2473Ser). The cysteine residue is weakly conserved and there is a moderate physicochemical difference between cysteine and serine.